The following is an entry in ClinVar:

NM_003183.6(ADAM17):c.1829G>A (p.Arg610His)

Genes: ADAM17 (ADAM metallopeptidase domain 17; minus strand), IAH1 (isoamyl acetate hydrolyzing esterase 1 (putative); plus strand). Cytogenetic location: 2p25.1.
Variant type: single nucleotide variant.
Coding change: c.1829G>A on transcript NM_003183.6 (MANE Select); coding-DNA position 1829, G replaced by A.
Protein change: p.Arg610His; replaces arginine 610 with histidine.
Molecular consequence: missense variant.
Genome position (GRCh38, 1-based): chr2:9,494,722, C>T on the plus strand (G>A on the coding strand, the complement: ADAM17 is on the minus strand). VCF-style: chr2-9494722-C-T. GRCh37 (hg19) VCF-style: chr2-9634851-C-T.
Other names: c.1169G>A, p.Arg390His (NM_001382777.1); c.932G>A, p.Arg311His (NM_001382778.1); short protein forms R311H, R390H, R610H.
Identifiers: ClinVar variation 955738 (VCV000955738.8), dbSNP rs140536552, ClinGen allele CA1523395.

ClinVar aggregate classification (germline): Uncertain significance (1 of 4 stars; one submission).

Conditions:
Inflammatory skin and bowel disease, neonatal, 1. Identifiers: Orphanet 294023, MedGen C3280501, MONDO:0013693, OMIM 614328.

Allele frequency attached by ClinVar (database versions not stated): gnomAD exomes below 0.00001; gnomAD 0.00001; TOPMed 0.00002.
gnomAD v4.1: 8 of 1,613,978 alleles (0.0005%); highest among the groups gnomAD compares: Admixed American, 0.0017%; no homozygotes.

Submission:

Labcorp Genetics (formerly Invitae), Labcorp
Classification: Uncertain significance for Inflammatory skin and bowel disease, neonatal, 1. Last evaluated: 2024-12-02. Review status: criteria provided, single submitter. Criteria: Invitae Variant Classification Sherloc (09022015). Collection method: clinical testing. Allele origin: germline.
Comment: This sequence change replaces arginine, which is basic and polar, with histidine, which is basic and polar, at codon 610 of the ADAM17 protein (p.Arg610His). This variant is present in population databases (rs140536552, gnomAD 0.007%). This variant has not been reported in the literature in individuals affected with ADAM17-related conditions. ClinVar contains an entry for this variant (Variation ID: 955738). An algorithm developed to predict the effect of missense changes on protein structure and function (PolyPhen-2) suggests that this variant is likely to be tolerated. In summary, the available evidence is currently insufficient to determine the role of this variant in disease. Therefore, it has been classified as a Variant of Uncertain Significance.